The following is an entry in ClinVar:

ClinVar aggregate classification (germline): Benign. Review status: criteria provided, multiple submitters, no conflicts (2 of 4 stars). 4 submissions from 4 submitters: Benign (4). Last evaluated 2026-05-11.

Allele frequency attached by ClinVar (database versions not stated): 1000 Genomes Project 30x 0.01093; 1000 Genomes Project 0.00938.

Submissions (4):

Women's Health and Genetics/Laboratory Corporation of America, LabCorp
Classification: Benign. Last evaluated: 2026-05-11. Review status: criteria provided, single submitter. Criteria: LabCorp Variant Classification Summary - May 2015. Collection method: clinical testing. Allele origin: germline.

Labcorp Genetics (formerly Invitae), Labcorp
Classification: Benign. Last evaluated: 2026-02-02. Review status: criteria provided, single submitter. Criteria: Invitae Variant Classification Sherloc (09022015). Collection method: clinical testing. Allele origin: germline.

GeneDx
Classification: Benign. Last evaluated: 2017-03-22. Review status: criteria provided, single submitter. Criteria: GeneDx Variant Classification (06012015). Collection method: clinical testing. Allele origin: germline. Affected: yes.
Comment: This variant is considered likely benign or benign based on one or more of the following criteria: it is a conservative change, it occurs at a poorly conserved position in the protein, it is predicted to be benign by multiple in silico algorithms, and/or has population frequency not consistent with disease.

PreventionGenetics, part of Exact Sciences
Classification: Benign. Review status: criteria provided, single submitter. Criteria: ACMG Guidelines, 2015. Collection method: clinical testing. Allele origin: germline.

NM_001851.6(COL9A1):c.2034+19T>G

Gene: COL9A1 (collagen type IX alpha 1 chain; minus strand). Cytogenetic location: 6q13.
Variant type: single nucleotide variant.
Coding change: c.2034+19T>G on transcript NM_001851.6 (MANE Select); 19 bases into the intron after coding-DNA position 2034, T replaced by G.
Molecular consequence: intron variant.
Genome position (GRCh38, 1-based): chr6:70,241,400, A>C on the plus strand (T>G on the coding strand, the complement: COL9A1 is on the minus strand). VCF-style: chr6-70241400-A-C. GRCh37 (hg19) VCF-style: chr6-70951103-A-C.
Other names: c.1305+19T>G (NM_001377290.1, NM_078485.4); c.1335+19T>G (NM_001377289.1).
Identifiers: ClinVar variation 258355 (VCV000258355.11), dbSNP rs13202029, ClinGen allele CA3881909.